The following is an entry in ClinVar:

NM_001277115.2(DNAH11):c.595A>G (p.Met199Val)

Gene: DNAH11 (dynein axonemal heavy chain 11; plus strand). Cytogenetic location: 7p15.3.
Variant type: single nucleotide variant.
Coding change: c.595A>G on transcript NM_001277115.2 (MANE Select); coding-DNA position 595, A replaced by G.
Protein change: p.Met199Val; replaces methionine 199 with valine.
Molecular consequence: missense variant.
Genome position (GRCh38, 1-based): chr7:21,558,901, A>G. VCF-style: chr7-21558901-A-G. GRCh37 (hg19) VCF-style: chr7-21598519-A-G.
Other names: c.595A>G, p.Met199Val (NM_003777.3); short protein forms M199V.
Identifiers: ClinVar variation 1750716 (VCV001750716.2), dbSNP rs199821847, ClinGen allele CA155074447.

ClinVar aggregate classification (germline): Uncertain significance (1 of 4 stars; one submission).

Conditions:
Primary ciliary dyskinesia. Also called: Ciliary dyskinesia. Identifiers: Orphanet 244, MedGen C0008780, MONDO:0016575, HP:0012265.

Allele frequency attached by ClinVar (database versions not stated): gnomAD exomes below 0.00001; gnomAD 0.00001; TOPMed 0.00001.

Submission:

Ambry Genetics
Classification: Uncertain significance for Primary ciliary dyskinesia. Last evaluated: 2022-04-01. Review status: criteria provided, single submitter. Criteria: Ambry Variant Classification Scheme 2023. Collection method: clinical testing. Allele origin: germline.
Comment: The p.M199V variant (also known as c.595A>G), located in coding exon 3 of the DNAH11 gene, results from an A to G substitution at nucleotide position 595. The methionine at codon 199 is replaced by valine, an amino acid with highly similar properties. This amino acid position is conserved. In addition, this alteration is predicted to be tolerated by in silico analysis. Since supporting evidence is limited at this time, the clinical significance of this alteration remains unclear.